The following is an entry in ClinVar:

ClinVar aggregate classification (germline): Uncertain significance (1 of 4 stars; one submission).

Submission:

GeneDx
Classification: Uncertain significance. Last evaluated: 2026-02-12. Review status: criteria provided, single submitter. Criteria: GeneDx Variant Classification Process June 2021. Collection method: clinical testing. Allele origin: germline.
Comment: Not observed at significant frequency in large population cohorts (gnomAD); In silico analysis supports that this missense variant has a deleterious effect on protein structure/function; Has not been previously published as pathogenic or benign to our knowledge; In silico analysis is inconclusive as to whether the variant alters gene splicing. In the absence of RNA/functional studies, the actual effect of this sequence change is unknown.

NM_001395002.1(MAP4K4):c.1859A>G (p.Glu620Gly)

Gene: MAP4K4 (mitogen-activated protein kinase kinase kinase kinase 4; plus strand). Cytogenetic location: 2q11.2.
Variant type: single nucleotide variant.
Coding change: c.1859A>G on transcript NM_001395002.1 (MANE Select); coding-DNA position 1859, A replaced by G.
Protein change: p.Glu620Gly; replaces glutamic acid 620 with glycine.
Molecular consequence: missense variant. On other transcripts: intron variant (34).
Genome position (GRCh38, 1-based): chr2:101,860,979, A>G. VCF-style: chr2-101860979-A-G. GRCh37 (hg19) VCF-style: chr2-102477441-A-G.
Other names: c.1859A>G, p.Glu620Gly (NM_001242559.2, NM_001384481.1, NM_001384486.1 and 4 more transcripts); c.1766A>G, p.Glu589Gly (NM_001384492.1, NM_001384520.1, NM_001384543.1 and 2 more transcripts); c.1739A>G, p.Glu580Gly (NM_001384551.1, NM_001384557.1, NM_001384564.1); c.1832A>G, p.Glu611Gly (NM_001384579.1); c.1704+1115A>G (NM_001384493.1, NM_001384485.1, NM_001384484.1 and 7 more transcripts); c.1611+1115A>G (NM_001242560.2, NM_001384487.1, NM_001384491.1 and 5 more transcripts); c.1617+1115A>G (NM_001384548.1); c.1677+1115A>G (NM_001384555.1, NM_001384572.1, NM_001384552.1 and 5 more transcripts); and 2 more; short protein forms E580G, E589G, E611G, E620G.
Identifiers: ClinVar variation 4976584 (VCV004976584.1).